The following is an entry in ClinVar:

NM_139276.3(STAT3):c.2294G>C (p.Cys765Ser)

Gene: STAT3 (signal transducer and activator of transcription 3; minus strand). Cytogenetic location: 17q21.2.
Variant type: single nucleotide variant.
Coding change: c.2294G>C on transcript NM_139276.3 (MANE Select); coding-DNA position 2294, G replaced by C.
Protein change: p.Cys765Ser; replaces cysteine 765 with serine.
Molecular consequence: missense variant. On other transcripts: 3 prime UTR variant (7).
Genome position (GRCh38, 1-based): chr17:42,315,764, C>G on the plus strand (G>C on the coding strand, the complement: STAT3 is on the minus strand). VCF-style: chr17-42315764-C-G. GRCh37 (hg19) VCF-style: chr17-40467782-C-G.
Other names: c.2294G>C, p.Cys765Ser (NM_001369512.1, NM_001369513.1); c.2291G>C, p.Cys764Ser (NM_001369514.1, NM_001369516.1, NM_003150.4); c.*75G>C (NM_001369517.1, NM_001369518.1, NM_001369519.1 and 4 more transcripts); c.2210G>C, p.Cys737Ser (NM_001384984.1); c.2216G>C, p.Cys739Ser (NM_001384985.1); c.2273G>C, p.Cys758Ser (NM_001384987.1); c.2198G>C, p.Cys733Ser (NM_001384988.1); c.2195G>C, p.Cys732Ser (NM_001384989.1); and 3 more; short protein forms C756S, C758S, C737S, C739S, C733S, C761S, C764S, C732S.
Identifiers: ClinVar variation 4789414 (VCV004789414.1).

ClinVar aggregate classification (germline): Uncertain significance (1 of 4 stars; one submission).

Conditions:
STAT3 gain of function. Identifiers: MedGen C4288261.
Hyper-IgE recurrent infection syndrome 1, autosomal dominant. Also called: JOB SYNDROME; Job's Syndrome; STAT3 Hyper IgE Syndrome; Hyper-IgE recurrent infection syndrome 1; HYPER-IgE SYNDROME 1, AUTOSOMAL DOMINANT, WITH RECURRENT INFECTIONS. Identifiers: Orphanet 2314, MedGen C2936739, MONDO:0007818, OMIM 147060.

Submission:

Labcorp Genetics (formerly Invitae), Labcorp
Classification: Uncertain significance for STAT3 gain of function; Hyper-IgE recurrent infection syndrome 1, autosomal dominant. Last evaluated: 2025-10-17. Review status: criteria provided, single submitter. Criteria: Invitae Variant Classification Sherloc (09022015). Collection method: clinical testing. Allele origin: germline.
Comment: This sequence change replaces cysteine, which is neutral and slightly polar, with serine, which is neutral and polar, at codon 765 of the STAT3 protein (p.Cys765Ser). This variant is not present in population databases (gnomAD no frequency). This variant has not been reported in the literature in individuals affected with STAT3-related conditions. Invitae Evidence Modeling of protein sequence and biophysical properties (such as structural, functional, and spatial information, amino acid conservation, physicochemical variation, residue mobility, and thermodynamic stability) indicates that this missense variant is not expected to disrupt STAT3 protein function with a negative predictive value of 95%. In summary, the available evidence is currently insufficient to determine the role of this variant in disease. Therefore, it has been classified as a Variant of Uncertain Significance.